The following is an entry in ClinVar:

ClinVar aggregate classification (germline): Conflicting classifications of pathogenicity. Review status: criteria provided, conflicting classifications (1 of 4 stars). 3 submissions from 3 submitters: Uncertain significance (1); Likely benign (1). 1 of the submissions does not count toward it. Last evaluated 2026-01-19.

Conditions:
DIS3L2-related disorder. Also called: DIS3L2-related condition.
Perlman syndrome (PRLMNS). Identifiers: Orphanet 2849, MedGen C0796113, MONDO:0009965, OMIM 267000.

Allele frequency attached by ClinVar (database versions not stated): TOPMed 0.00005; gnomAD exomes 0.00007 and 0.00023; ESP Exome Variant Server 0.00008; gnomAD 0.00009 and 0.00010; ExAC 0.00011.
gnomAD v4.1: 340 of 1,612,544 alleles (0.021%); highest among the groups gnomAD compares: Non-Finnish European, 0.027%; no homozygotes.

Submissions (3):

Labcorp Genetics (formerly Invitae), Labcorp
Classification: Likely benign for Perlman syndrome. Last evaluated: 2026-01-19. Review status: criteria provided, single submitter. Criteria: Invitae Variant Classification Sherloc (09022015). Collection method: clinical testing. Allele origin: germline.

Illumina Laboratory Services, Illumina
Classification: Uncertain significance for Perlman syndrome. Last evaluated: 2018-01-13. Review status: criteria provided, single submitter. Criteria: ICSL Variant Classification Criteria 13 December 2019. Collection method: clinical testing. Allele origin: germline.

PreventionGenetics, part of Exact Sciences
Classification: Likely benign for DIS3L2-related condition. Last evaluated: 2022-10-18. Review status: no assertion criteria provided. Collection method: clinical testing. Allele origin: germline. Not counted in ClinVar's aggregate classification.
Comment: This variant is classified as likely benign based on ACMG/AMP sequence variant interpretation guidelines (Richards et al. 2015 PMID: 25741868, with internal and published modifications).

NM_152383.5(DIS3L2):c.2124C>T (p.Asp708=)

Gene: DIS3L2 (DIS3 like 3'-5' exoribonuclease 2; plus strand). Cytogenetic location: 2q37.1.
Variant type: single nucleotide variant.
Coding change: c.2124C>T on transcript NM_152383.5 (MANE Select); coding-DNA position 2124, C replaced by T.
Protein change: p.Asp708=; no amino-acid change (aspartic acid 708 retained).
Molecular consequence: synonymous variant. On other transcripts: non-coding transcript variant (2), intron variant (1).
Genome position (GRCh38, 1-based): chr2:232,333,953, C>T. VCF-style: chr2-232333953-C-T. GRCh37 (hg19) VCF-style: chr2-233198663-C-T.
Other names: c.1582-9392C>T (NM_001257281.2).
Identifiers: ClinVar variation 241971 (VCV000241971.18), dbSNP rs368518323, ClinGen allele CA2164396.